The following is an entry in ClinVar:

ClinVar aggregate classification (germline): Conflicting classifications of pathogenicity. Review status: criteria provided, conflicting classifications (1 of 4 stars). 7 submissions from 7 submitters: Pathogenic (2); Likely pathogenic (3); Uncertain significance (1). 1 of the submissions does not count toward it. Last evaluated 2026-03-23.

Conditions:
EYS-related disorder. Also called: EYS-related condition.
Retinitis pigmentosa (RP). Identifiers: Orphanet 791, MedGen C0035334, MeSH D012174, MONDO:0019200, OMIM 268000. Inheritance: Autosomal dominant, autosomal recessive and X linked inheritance.
Retinitis pigmentosa 25 (RP25). Identifiers: Orphanet 791, MedGen C1864446, MONDO:0011272, OMIM 602772.

Allele frequency attached by ClinVar (database versions not stated): gnomAD exomes 0.00003 and 0.00005; gnomAD 0.00005; TOPMed 0.00006; ExAC 0.00010.
gnomAD v4.1: 72 of 1,544,886 alleles (0.0047%); highest among the groups gnomAD compares: African/African-American, 0.0096%; no homozygotes.

Submissions (7):

PreventionGenetics, part of Exact Sciences
Classification: Likely pathogenic for EYS-related condition. Last evaluated: 2026-03-23. Review status: criteria provided, single submitter. Criteria: ACMG Guidelines, 2015. Collection method: clinical testing. Allele origin: germline.
Comment: The EYS c.6473T>C variant is predicted to result in the amino acid substitution p.Leu2158Pro. This variant has been reported along with an EYS multi-exon deletion in an individual with retinal disease (Carss et al. 2017. PubMed ID: 28041643) and along with an EYS nonsense variant in an individual with retinal disease (Table S4, Panneman et al. 2023. PubMed ID: 36819107). This variant is present in 0.030% of alleles in individuals of African descent in gnomAD. Given the evidence, we interpret this variant as likely pathogenic.

Natera, Inc.
Classification: Likely pathogenic for Retinitis pigmentosa type 25. Last evaluated: 2025-07-28. Review status: criteria provided, single submitter. Criteria: Natera Variant Classification Schema (03/2026). Collection method: clinical testing. Allele origin: germline.
Comment: The c.6473T>C variant in EYS is a missense variant predicted to cause substitution of leucine to proline at amino acid 2158. This variant is rare in the general population with a frequency below the threshold expected for the associated phenotype(s). This variant has been observed in one or more individuals affected with the associated recessive disease, as either homozygous or compound heterozygous with a second variant (PMID: 36819107, 28041643). Multiple computational prediction algorithms suggest this variant is unlikely to affect gene or protein function. Given the available evidence, this variant is classified as Likely Pathogenic.

Labcorp Genetics (formerly Invitae), Labcorp
Classification: Pathogenic. Last evaluated: 2024-11-05. Review status: criteria provided, single submitter. Criteria: Invitae Variant Classification Sherloc (09022015). Collection method: clinical testing. Allele origin: germline.
Comment: This sequence change replaces leucine, which is neutral and non-polar, with proline, which is neutral and non-polar, at codon 2158 of the EYS protein (p.Leu2158Pro). This variant is present in population databases (rs777735735, gnomAD 0.03%). This missense change has been observed in individuals with retinitis pigmentosa (PMID: 28041643, 32581362, 36819107; internal data). ClinVar contains an entry for this variant (Variation ID: 438204). Invitae Evidence Modeling of protein sequence and biophysical properties (such as structural, functional, and spatial information, amino acid conservation, physicochemical variation, residue mobility, and thermodynamic stability) indicates that this missense variant is expected to disrupt EYS protein function with a positive predictive value of 80%. For these reasons, this variant has been classified as Pathogenic.

Fulgent Genetics
Classification: Likely pathogenic for Retinitis pigmentosa 25. Last evaluated: 2024-02-14. Review status: criteria provided, single submitter. Criteria: ACMG Guidelines, 2015. Collection method: clinical testing. Allele origin: germline.

Blueprint Genetics
Classification: Pathogenic for EYS-related disorders. Last evaluated: 2023-06-14. Review status: criteria provided, single submitter. Criteria: ACMG Guidelines, 2015. Collection method: clinical testing. Allele origin: germline. Affected: yes. Observed: 5 variant alleles.

GeneDx
Classification: Uncertain significance. Last evaluated: 2021-05-17. Review status: criteria provided, single submitter. Criteria: GeneDx Variant Classification Process June 2021. Collection method: clinical testing. Allele origin: germline. Affected: yes.
Comment: In silico analysis, which includes protein predictors and evolutionary conservation, supports that this variant does not alter protein structure/function; This variant is associated with the following publications: (PMID: 32581362, 28041643)

NIHR Bioresource Rare Diseases, University of Cambridge
Classification: Likely pathogenic for Retinitis pigmentosa. Last evaluated: 2015-01-01. Review status: no assertion criteria provided. Collection method: research. Allele origin: unknown. Affected: yes. Observed: 1 variant allele. Not counted in ClinVar's aggregate classification.

Literature cited by the submitters: PubMed 36819107 (cited by Natera, Inc. and Labcorp Genetics (formerly Invitae), Labcorp); PubMed 28041643 (cited by 3 submitters); PubMed 32581362 (cited by Labcorp Genetics (formerly Invitae), Labcorp).

NM_001142800.2(EYS):c.6473T>C (p.Leu2158Pro)

Gene: EYS (EGF-like photoreceptor maintenance factor; minus strand). Cytogenetic location: 6q12.
Variant type: single nucleotide variant.
Coding change: c.6473T>C on transcript NM_001142800.2 (MANE Select); coding-DNA position 6473, T replaced by C.
Protein change: p.Leu2158Pro; replaces leucine 2158 with proline.
Molecular consequence: missense variant.
Genome position (GRCh38, 1-based): chr6:64,081,954, A>G on the plus strand (T>C on the coding strand, the complement: EYS is on the minus strand). VCF-style: chr6-64081954-A-G. GRCh37 (hg19) VCF-style: chr6-64791847-A-G.
Other names: c.6473T>C, p.Leu2158Pro (NM_001292009.2); short protein forms L2158P.
Identifiers: ClinVar variation 438204 (VCV000438204.16), dbSNP rs777735735, ClinGen allele CA3876911.